The following is an entry in ClinVar:

ClinVar aggregate classification (germline): Uncertain significance (1 of 4 stars; one submission).

Conditions:
Adult-onset proximal spinal muscular atrophy, autosomal dominant. Also called: Spinal muscular atrophy, late-onset, finkel type; FINKEL LATE-ADULT TYPE SMA. Identifiers: Orphanet 209335, MedGen C1854058, MONDO:0008453, OMIM 182980.
Amyotrophic lateral sclerosis type 8 (ALS8). Identifiers: Orphanet 803, MedGen C1837728, MONDO:0012077, OMIM 608627.

gnomAD v4.1: 3 of 1,613,678 alleles (0.00019%); highest among the groups gnomAD compares: Non-Finnish European, 0.00025%; no homozygotes.

Submission:

Labcorp Genetics (formerly Invitae), Labcorp
Classification: Uncertain significance for Adult-onset proximal spinal muscular atrophy, autosomal dominant; Amyotrophic lateral sclerosis type 8. Last evaluated: 2025-01-13. Review status: criteria provided, single submitter. Criteria: Invitae Variant Classification Sherloc (09022015). Collection method: clinical testing. Allele origin: germline.
Comment: This sequence change falls in intron 5 of the VAPB gene. It does not directly change the encoded amino acid sequence of the VAPB protein. It affects a nucleotide within the consensus splice site. This variant is not present in population databases (gnomAD no frequency). This variant has not been reported in the literature in individuals affected with VAPB-related conditions. Variants that disrupt the consensus splice site are a relatively common cause of aberrant splicing (PMID: 17576681, 9536098). Algorithms developed to predict the effect of sequence changes on RNA splicing suggest that this variant is not likely to affect RNA splicing. In summary, the available evidence is currently insufficient to determine the role of this variant in disease. Therefore, it has been classified as a Variant of Uncertain Significance.

Literature cited by the submitters: PubMed 17576681; PubMed 9536098.

NM_004738.5(VAPB):c.573+3A>G

Gene: VAPB (VAMP associated protein B and C; plus strand). Cytogenetic location: 20q13.32.
Variant type: single nucleotide variant.
Coding change: c.573+3A>G on transcript NM_004738.5 (MANE Select); 3 bases into the intron after coding-DNA position 573, A replaced by G.
Molecular consequence: intron variant.
Genome position (GRCh38, 1-based): chr20:58,441,086, A>G. VCF-style: chr20-58441086-A-G. GRCh37 (hg19) VCF-style: chr20-57016142-A-G.
Other names: c.212-2991A>G (NM_001195677.2).
Identifiers: ClinVar variation 3754736 (VCV003754736.2).